The following is an entry in ClinVar:

ClinVar aggregate classification (germline): Uncertain significance. Review status: criteria provided, multiple submitters, no conflicts (2 of 4 stars). 2 submissions from 2 submitters: Uncertain significance (2). Last evaluated 2021-12-20.

Conditions:
Hereditary cancer-predisposing syndrome. Also called: Hereditary Cancer Syndrome; Hereditary neoplastic syndrome; Neoplastic Syndromes, Hereditary; Tumor predisposition. Identifiers: Orphanet 140162, MedGen C0027672, MeSH D009386, MONDO:0015356.

Submissions (2):

Sema4
Classification: Uncertain significance for Hereditary cancer-predisposing syndrome. Last evaluated: 2021-12-20. Review status: criteria provided, single submitter. Criteria: Sema4 Curation Guidelines. Collection method: curation. Allele origin: germline.
Comment: To the best of our knowledge, the BRCA2 c.7363C>A (p.H2455N) variant has not been reported in individuals with BRCA2-related disease. It was not observed in the large and broad cohorts of the Genome Aggregation Database. The variant has not been reported in ClinVar. Functional studies have not been performed, and in silico predictions of the variant's effect on protein function are inconclusive. The evidence is insufficient to meet ACMG/AMP criteria for classifying the variant as benign or pathogenic. Thus, the clinical significance of this variant is currently uncertain.

Color Diagnostics, LLC DBA Color Health
Classification: Uncertain significance for Hereditary cancer-predisposing syndrome. Last evaluated: 2021-07-26. Review status: criteria provided, single submitter. Criteria: ACMG Guidelines, 2015. Collection method: clinical testing. Allele origin: germline.
Comment: This missense variant replaces histidine with asparagine at codon 2455 of the BRCA2 protein. Computational prediction suggests that this variant may not impact protein structure and function (internally defined REVEL score threshold <= 0.5, PMID: 27666373). To our knowledge, functional studies have not been reported for this variant. This variant has been reported in case-control studies for breast, prostate and pancreatic cancer, where it was observed in unaffected individuals and was absent in cases (PMID: 30287823, 31214711, 32980694). This variant has not been identified in the general population by the Genome Aggregation Database (gnomAD). The available evidence is insufficient to determine the role of this variant in disease conclusively. Therefore, this variant is classified as a Variant of Uncertain Significance.

Literature cited by the submitters: PubMed 30287823 (cited by Color Diagnostics, LLC DBA Color Health); PubMed 31214711 (cited by Color Diagnostics, LLC DBA Color Health); PubMed 32980694 (cited by Color Diagnostics, LLC DBA Color Health).

NM_000059.4(BRCA2):c.7363C>A (p.His2455Asn)

Gene: BRCA2 (BRCA2 DNA repair associated; plus strand). Cytogenetic location: 13q13.1.
Variant type: single nucleotide variant.
Coding change: c.7363C>A on transcript NM_000059.4 (MANE Select); coding-DNA position 7363, C replaced by A.
Protein change: p.His2455Asn; replaces histidine 2455 with asparagine.
Molecular consequence: missense variant.
Genome position (GRCh38, 1-based): chr13:32,355,216, C>A. VCF-style: chr13-32355216-C-A. GRCh37 (hg19) VCF-style: chr13-32929353-C-A.
Other names: short protein forms H2455N.
Identifiers: ClinVar variation 1692127 (VCV001692127.3), dbSNP rs2137558388, ClinGen allele CA387741458.